The following is an entry in ClinVar:

ClinVar aggregate classification (germline): Uncertain significance (1 of 4 stars; one submission).

Conditions:
Regional enteritis. Also called: Enteritis, Granulomatous. Identifiers: MedGen C0678202, MeSH D003424.
Blau syndrome (BLAUS). Also called: ARTHROCUTANEOUVEAL GRANULOMATOSIS; GRANULOMATOSIS, FAMILIAL JUVENILE SYSTEMIC; GRANULOMATOSIS, FAMILIAL, BLAU TYPE; GRANULOMATOUS INFLAMMATORY ARTHRITIS, DERMATITIS, AND UVEITIS, FAMILIAL; JABS SYNDROME. Identifiers: Orphanet 90340, MedGen C5201146, MONDO:0008523, OMIM 186580.

gnomAD v4.1: 7 of 1,614,104 alleles (0.00043%); highest among the groups gnomAD compares: Admixed American, 0.0083%; no homozygotes.

Submission:

Labcorp Genetics (formerly Invitae), Labcorp
Classification: Uncertain significance for Regional enteritis; Blau syndrome. Last evaluated: 2025-05-22. Review status: criteria provided, single submitter. Criteria: Invitae Variant Classification Sherloc (09022015). Collection method: clinical testing. Allele origin: germline.
Comment: This sequence change creates a premature translational stop signal (p.Gln310*) in the NOD2 gene. It is expected to result in an absent or disrupted protein product. However, the current clinical and genetic evidence is not sufficient to establish whether loss-of-function variants in NOD2 cause disease. This variant is present in population databases (rs760588667, gnomAD 0.01%). This variant has not been reported in the literature in individuals affected with NOD2-related conditions. ClinVar contains an entry for this variant (Variation ID: 3763119). Algorithms developed to predict the effect of sequence changes on RNA splicing suggest that this variant may create or strengthen a splice site. In summary, the available evidence is currently insufficient to determine the role of this variant in disease. Therefore, it has been classified as a Variant of Uncertain Significance.

NM_001370466.1(NOD2):c.847C>T (p.Gln283Ter)

Gene: NOD2 (nucleotide binding oligomerization domain containing 2; plus strand). Cytogenetic location: 16q12.1.
Variant type: single nucleotide variant.
Coding change: c.847C>T on transcript NM_001370466.1 (MANE Select); coding-DNA position 847, C replaced by T.
Protein change: p.Gln283Ter; replaces glutamine 283 with a stop codon.
Molecular consequence: nonsense. On other transcripts: non-coding transcript variant (1).
Genome position (GRCh38, 1-based): chr16:50,710,839, C>T. VCF-style: chr16-50710839-C-T. GRCh37 (hg19) VCF-style: chr16-50744750-C-T.
Other names: c.847C>T, p.Gln283Ter (NM_001293557.2); c.928C>T, p.Gln310Ter (NM_022162.3); short protein forms Q283*, Q310*.
Identifiers: ClinVar variation 3763119 (VCV003763119.2).
Genomic context (GRCh38, chr16:50,710,839, plus strand): 5'-GACGATGCGGACACTGTGCTGGTGGTGGGTGAGGCGGGCAGTGGCAAGAGCACGCTCCTG[C>T]AGCGGCTGCACTTGCTGTGGGCTGCAGGGCAAGACTTCCAGGAATTTCTCTTTGTCTTCC-3'